The following is an entry in ClinVar:

NM_000814.6(GABRB3):c.935G>A (p.Gly312Asp)

Gene: GABRB3 (gamma-aminobutyric acid type A receptor subunit beta3; minus strand). Cytogenetic location: 15q12.
Variant type: single nucleotide variant.
Coding change: c.935G>A on transcript NM_000814.6 (MANE Select); coding-DNA position 935, G replaced by A.
Protein change: p.Gly312Asp; replaces glycine 312 with aspartic acid.
Molecular consequence: missense variant.
Genome position (GRCh38, 1-based): chr15:26,561,077, C>T on the plus strand (G>A on the coding strand, the complement: GABRB3 is on the minus strand). VCF-style: chr15-26561077-C-T. GRCh37 (hg19) VCF-style: chr15-26806224-C-T.
Other names: c.680G>A, p.Gly227Asp (NM_001191320.2, NM_001278631.2); c.722G>A, p.Gly241Asp (NM_001191321.3); c.935G>A, p.Gly312Asp (NM_021912.5); short protein forms G227D, G241D, G312D.
Identifiers: ClinVar variation 3372653 (VCV003372653.1).

ClinVar aggregate classification (germline): Uncertain significance (1 of 4 stars; one submission).

Submission:

GeneDx
Classification: Uncertain significance. Last evaluated: 2024-04-18. Review status: criteria provided, single submitter. Criteria: GeneDx Variant Classification Process June 2021. Collection method: clinical testing. Allele origin: germline. Affected: yes.
Comment: Not observed at significant frequency in large population cohorts (gnomAD); In silico analysis supports that this missense variant has a deleterious effect on protein structure/function; Has not been previously published as pathogenic or benign to our knowledge